The following is an entry in ClinVar:

ClinVar aggregate classification (germline): Pathogenic/Likely pathogenic. Review status: criteria provided, multiple submitters, no conflicts (2 of 4 stars). 4 submissions from 4 submitters: Pathogenic (1); Likely pathogenic (2). 1 of the submissions does not count toward it. Last evaluated 2025-06-06.

Conditions:
Autosomal recessive Alport syndrome (ATS2). Also called: COL4A3-Related Nephropathy; Alport syndrome type 2; ALPORT SYNDROME 2, AUTOSOMAL RECESSIVE; COL4A4 Alport Syndrome and Thin Basement Membrane Nephropathy. Identifiers: Orphanet 63, Orphanet 88919, MedGen C4746745, MONDO:0008762, OMIM 203780.
Benign familial hematuria. Also called: thin basement membrane disease. Identifiers: MedGen C0241908, MONDO:0957317.
Alport syndrome. Also called: Hemorrhagic familial nephritis; Hemorrhagic hereditary nephritis; Congenital hereditary hematuria. Identifiers: Orphanet 63, MedGen C1567741, MONDO:0018965.

Allele frequency attached by ClinVar (database versions not stated): gnomAD 0.00001; TOPMed below 0.00001.

Submissions (4):

Natera, Inc.
Classification: Likely pathogenic for Alport syndrome. Last evaluated: 2025-06-06. Review status: criteria provided, single submitter. Criteria: Natera Variant Classification Schema (03/2026). Collection method: clinical testing. Allele origin: germline.
Comment: The c.4122delC variant in COL4A4 is a frameshift variant predicted to shift the reading frame beginning at codon 1375 and leads to a stop codon 13 codons downstream. This variant is expected to result in nonsense mediated decay, truncation, or a dysfunctional protein product. This variant is rare in the general population with a frequency below the threshold expected for the associated phenotype(s). Given the available evidence, this variant is classified as Likely Pathogenic.

Labcorp Genetics (formerly Invitae), Labcorp
Classification: Pathogenic. Last evaluated: 2023-04-19. Review status: criteria provided, single submitter. Criteria: Invitae Variant Classification Sherloc (09022015). Collection method: clinical testing. Allele origin: germline.
Comment: For these reasons, this variant has been classified as Pathogenic. ClinVar contains an entry for this variant (Variation ID: 562414). This premature translational stop signal has been observed in individual(s) with Alport syndrome (PMID: 30586318). This variant is not present in population databases (gnomAD no frequency). This sequence change creates a premature translational stop signal (p.Cys1375Valfs*13) in the COL4A4 gene. It is expected to result in an absent or disrupted protein product. Loss-of-function variants in COL4A4 are known to be pathogenic (PMID: 21196518, 24854265, 25307543).

Fulgent Genetics
Classification: Likely pathogenic for Hematuria, benign familial, 1; Autosomal recessive Alport syndrome. Last evaluated: 2021-12-23. Review status: criteria provided, single submitter. Criteria: ACMG Guidelines, 2015. Collection method: clinical testing. Allele origin: unknown.

Gharavi Laboratory, Columbia University
Classification: Likely pathogenic. Last evaluated: 2018-09-16. Review status: no assertion criteria provided. Criteria: ACMG Guidelines, 2015. Collection method: research. Allele origin: germline. Affected: yes. Not counted in ClinVar's aggregate classification.

Literature cited by the submitters: PubMed 30586318 (cited by Labcorp Genetics (formerly Invitae), Labcorp); PubMed 21196518 (cited by Labcorp Genetics (formerly Invitae), Labcorp); PubMed 24854265 (cited by Labcorp Genetics (formerly Invitae), Labcorp); PubMed 25307543 (cited by Labcorp Genetics (formerly Invitae), Labcorp).

NM_000092.5(COL4A4):c.4122del (p.Cys1375fs)

Gene: COL4A4 (collagen type IV alpha 4 chain; minus strand). Cytogenetic location: 2q36.3.
Variant type: Deletion.
Coding change: c.4122del on transcript NM_000092.5 (MANE Select); coding-DNA position 4122, one base deleted (C; older notation c.4122delC).
Protein change: p.Cys1375fs; shifts the reading frame from cysteine 1375.
Molecular consequence: frameshift variant.
Genome position (GRCh38, 1-based): chr2:227,022,142, G deleted on the plus strand (C on the coding strand, the reverse complement: COL4A4 is on the minus strand). VCF-style (leftmost placement, unchanged base first): chr2-227022141-AG-A. GRCh37 (hg19) VCF-style: chr2-227886857-AG-A.
Other names: c.4122delC (NM_000092.4); short protein forms C1375fs.
Identifiers: ClinVar variation 562414 (VCV000562414.6), dbSNP rs1162601696, ClinGen allele CA658821225.